The following is an entry in ClinVar:

ClinVar aggregate classification (germline): Uncertain significance. Review status: criteria provided, multiple submitters, no conflicts (2 of 4 stars). 3 submissions from 3 submitters: Uncertain significance (3). Last evaluated 2025-11-01.

Conditions:
Tumor predisposition syndrome 3 (TPDS3). Also called: Glioma susceptibility 9; LONG TELOMERE SYNDROME, POT1-RELATED; POT1 Tumor Predisposition; Melanoma, cutaneous malignant, susceptibility to, 10. Identifiers: Orphanet 618, MedGen C4014476, MONDO:0014368, OMIM 615848.
Hereditary cancer-predisposing syndrome. Also called: Hereditary Cancer Syndrome; Neoplastic Syndromes, Hereditary; Hereditary neoplastic syndrome; Tumor predisposition. Identifiers: Orphanet 140162, MedGen C0027672, MeSH D009386, MONDO:0015356.

Allele frequency attached by ClinVar (database versions not stated): ExAC 0.00002; gnomAD exomes 0.00002; TOPMed 0.00002.
gnomAD v4.1: 29 of 1,610,660 alleles (0.0018%); highest among the groups gnomAD compares: East Asian, 0.0045%; no homozygotes.

Submissions (3):

Labcorp Genetics (formerly Invitae), Labcorp
Classification: Uncertain significance for Tumor predisposition syndrome 3. Last evaluated: 2025-11-01. Review status: criteria provided, single submitter. Criteria: Invitae Variant Classification Sherloc (09022015). Collection method: clinical testing. Allele origin: germline.
Comment: This sequence change replaces serine, which is neutral and polar, with asparagine, which is neutral and polar, at codon 208 of the POT1 protein (p.Ser208Asn). This variant is present in population databases (rs776459318, gnomAD 0.006%). This variant has not been reported in the literature in individuals affected with POT1-related conditions. ClinVar contains an entry for this variant (Variation ID: 541869). Invitae Evidence Modeling of protein sequence and biophysical properties (such as structural, functional, and spatial information, amino acid conservation, physicochemical variation, residue mobility, and thermodynamic stability) indicates that this missense variant is not expected to disrupt POT1 protein function with a negative predictive value of 80%. In summary, the available evidence is currently insufficient to determine the role of this variant in disease. Therefore, it has been classified as a Variant of Uncertain Significance.

Ambry Genetics
Classification: Uncertain significance for Hereditary cancer-predisposing syndrome. Last evaluated: 2024-03-30. Review status: criteria provided, single submitter. Criteria: Ambry Variant Classification Scheme 2023. Collection method: clinical testing. Allele origin: germline.
Comment: The p.S208N variant (also known as c.623G>A), located in coding exon 5 of the POT1 gene, results from a G to A substitution at nucleotide position 623. The serine at codon 208 is replaced by asparagine, an amino acid with highly similar properties. This amino acid position is not well conserved in available vertebrate species. In addition, this alteration is predicted to be tolerated by in silico analysis. Since supporting evidence is limited at this time, the clinical significance of this alteration remains unclear.

GeneDx
Classification: Uncertain significance. Last evaluated: 2023-09-26. Review status: criteria provided, single submitter. Criteria: GeneDx Variant Classification Process June 2021. Collection method: clinical testing. Allele origin: germline. Affected: yes.
Comment: In silico analysis supports that this missense variant does not alter protein structure/function; Has not been previously published as pathogenic or benign to our knowledge; This variant is associated with the following publications: (PMID: 28393830)

NM_015450.3(POT1):c.623G>A (p.Ser208Asn)

Gene: POT1 (protection of telomeres 1; minus strand). Cytogenetic location: 7q31.33.
Variant type: single nucleotide variant.
Coding change: c.623G>A on transcript NM_015450.3 (MANE Select); coding-DNA position 623, G replaced by A.
Protein change: p.Ser208Asn; replaces serine 208 with asparagine.
Molecular consequence: missense variant. On other transcripts: non-coding transcript variant (3).
Genome position (GRCh38, 1-based): chr7:124,859,036, C>T on the plus strand (G>A on the coding strand, the complement: POT1 is on the minus strand). VCF-style: chr7-124859036-C-T. GRCh37 (hg19) VCF-style: chr7-124499090-C-T.
Other names: c.230G>A, p.Ser77Asn (NM_001042594.2); short protein forms S208N, S77N.
Identifiers: ClinVar variation 541869 (VCV000541869.17), dbSNP rs776459318, ClinGen allele CA4465400.